The following is an entry in ClinVar:

ClinVar aggregate classification (germline): Conflicting classifications of pathogenicity. Review status: criteria provided, conflicting classifications (1 of 4 stars). 4 submissions from 4 submitters: Uncertain significance (2); Benign (1); Likely benign (1). Last evaluated 2025-12-19.

Conditions:
Long QT syndrome (LQTS). Identifiers: MedGen C0023976, MeSH D008133, MONDO:0002442. Disease mechanism: loss of function. Inheritance: Various modes of inheritance.
Cardiovascular phenotype. Identifiers: MedGen CN230736.
Long QT syndrome 11 (LQT11). Identifiers: Orphanet 101016, Orphanet 768, MedGen C2678483, MONDO:0012738, OMIM 611820.

Allele frequency attached by ClinVar (database versions not stated): ExAC 0.00002; TOPMed 0.00002; gnomAD 0.00004 and 0.00005; gnomAD exomes 0.00004.
gnomAD v4.1: 153 of 1,613,936 alleles (0.0095%); highest among the groups gnomAD compares: Non-Finnish European, 0.012%; no homozygotes.

Submissions (4):

Women's Health and Genetics/Laboratory Corporation of America, LabCorp
Classification: Likely benign. Last evaluated: 2025-12-19. Review status: criteria provided, single submitter. Criteria: LabCorp Variant Classification Summary - May 2015. Collection method: clinical testing. Allele origin: germline.

Labcorp Genetics (formerly Invitae), Labcorp
Classification: Uncertain significance for Long QT syndrome. Last evaluated: 2025-01-28. Review status: criteria provided, single submitter. Criteria: Invitae Variant Classification Sherloc (09022015). Collection method: clinical testing. Allele origin: germline.
Comment: This sequence change replaces serine, which is neutral and polar, with glycine, which is neutral and non-polar, at codon 3039 of the AKAP9 protein (p.Ser3039Gly). This variant is present in population databases (rs772348877, gnomAD 0.02%). This variant has not been reported in the literature in individuals affected with AKAP9-related conditions. ClinVar contains an entry for this variant (Variation ID: 649775). An algorithm developed to predict the effect of missense changes on protein structure and function outputs the following: PolyPhen-2: "Benign". The glycine amino acid residue is found in multiple mammalian species, which suggests that this missense change does not adversely affect protein function. In summary, the available evidence is currently insufficient to determine the role of this variant in disease. Therefore, it has been classified as a Variant of Uncertain Significance.

Ambry Genetics
Classification: Benign for Cardiovascular phenotype. Last evaluated: 2024-01-02. Review status: criteria provided, single submitter. Criteria: Ambry Variant Classification Scheme 2023. Collection method: clinical testing. Allele origin: germline.

Fulgent Genetics
Classification: Uncertain significance for Long QT syndrome 11. Last evaluated: 2021-08-18. Review status: criteria provided, single submitter. Criteria: ACMG Guidelines, 2015. Collection method: clinical testing. Allele origin: unknown.

NM_005751.5(AKAP9):c.9115A>G (p.Ser3039Gly)

Gene: AKAP9 (A-kinase anchoring protein 9; plus strand). Cytogenetic location: 7q21.2.
Variant type: single nucleotide variant.
Coding change: c.9115A>G on transcript NM_005751.5 (MANE Select); coding-DNA position 9115, A replaced by G.
Protein change: p.Ser3039Gly; replaces serine 3039 with glycine.
Molecular consequence: missense variant.
Genome position (GRCh38, 1-based): chr7:92,086,318, A>G. VCF-style: chr7-92086318-A-G. GRCh37 (hg19) VCF-style: chr7-91715632-A-G.
Other names: c.3760A>G, p.Ser1254Gly (NM_001379277.1); c.9091A>G, p.Ser3031Gly (NM_147185.3); short protein forms S3039G, S3031G, S1254G.
Identifiers: ClinVar variation 649775 (VCV000649775.10), dbSNP rs772348877, ClinGen allele CA4337662.